The following is an entry in ClinVar:

NM_194248.3(OTOF):c.1963C>T (p.Pro655Ser)

Gene: OTOF (otoferlin; minus strand). Cytogenetic location: 2p23.3.
Variant type: single nucleotide variant.
Coding change: c.1963C>T on transcript NM_194248.3 (MANE Select); coding-DNA position 1963, C replaced by T.
Protein change: p.Pro655Ser; replaces proline 655 with serine.
Molecular consequence: missense variant.
Genome position (GRCh38, 1-based): chr2:26,479,603, G>A on the plus strand (C>T on the coding strand, the complement: OTOF is on the minus strand). VCF-style: chr2-26479603-G-A. GRCh37 (hg19) VCF-style: chr2-26702471-G-A.
Other names: c.1963C>T, p.Pro655Ser (NM_001287489.2); c.1963C>T (NM_194248.2); short protein forms P655S.
Identifiers: ClinVar variation 2430460 (VCV002430460.4), dbSNP rs376509813, ClinGen allele CA1564103.

ClinVar aggregate classification (germline): Uncertain significance. Review status: criteria provided, multiple submitters, no conflicts (2 of 4 stars). 3 submissions from 3 submitters: Uncertain significance (3). Last evaluated 2026-09-01.

Conditions:
Inborn genetic diseases. Identifiers: MedGen C0950123, MeSH D030342.

Allele frequency attached by ClinVar (database versions not stated): ExAC 0.00001; gnomAD exomes 0.00002; gnomAD 0.00003; TOPMed 0.00003; ESP Exome Variant Server 0.00008.
gnomAD v4.1: 37 of 1,612,436 alleles (0.0023%); highest among the groups gnomAD compares: Non-Finnish European, 0.0031%; no homozygotes.

Submissions (3):

CeGaT Center for Human Genetics Tuebingen
Classification: Uncertain significance. Last evaluated: 2026-09-01. Review status: criteria provided, single submitter. Criteria: CeGaT Center For Human Genetics Tuebingen Variant Classification Criteria Version 2. Collection method: clinical testing. Allele origin: germline. Affected: yes. Observed: 1 variant allele.
Comment: OTOF: PM2, BP4

Ambry Genetics
Classification: Uncertain significance for Inborn genetic diseases. Last evaluated: 2023-01-06. Review status: criteria provided, single submitter. Criteria: Ambry Variant Classification Scheme 2023. Collection method: clinical testing. Allele origin: germline.

GeneDx
Classification: Uncertain significance. Last evaluated: 2022-08-18. Review status: criteria provided, single submitter. Criteria: GeneDx Variant Classification Process June 2021. Collection method: clinical testing. Allele origin: germline. Affected: yes.
Comment: Not observed at significant frequency in large population cohorts (gnomAD); In silico analysis supports that this missense variant does not alter protein structure/function; Has not been previously published as pathogenic or benign to our knowledge